The following is an entry in ClinVar:

NM_017763.6(RNF43):c.2284T>C (p.Cys762Arg)

Gene: RNF43 (ring finger protein 43; minus strand). Cytogenetic location: 17q22.
Variant type: single nucleotide variant.
Coding change: c.2284T>C on transcript NM_017763.6 (MANE Select); coding-DNA position 2284, T replaced by C.
Protein change: p.Cys762Arg; replaces cysteine 762 with arginine.
Molecular consequence: missense variant.
Genome position (GRCh38, 1-based): chr17:58,357,492, A>G on the plus strand (T>C on the coding strand, the complement: RNF43 is on the minus strand). VCF-style: chr17-58357492-A-G. GRCh37 (hg19) VCF-style: chr17-56434853-A-G.
Other names: c.2284T>C (NM_017763.4); c.2284T>C, p.Cys762Arg (NM_001305544.3); c.1903T>C, p.Cys635Arg (NM_001305545.2); short protein forms C762R, C635R.
Identifiers: ClinVar variation 2190193 (VCV002190193.7), dbSNP rs759480914, ClinGen allele CA8673038.

ClinVar aggregate classification (germline): Uncertain significance. Review status: criteria provided, multiple submitters, no conflicts (2 of 4 stars). 4 submissions from 4 submitters: Uncertain significance (4). Last evaluated 2025-04-07.

Conditions:
Sessile serrated polyposis cancer syndrome (SSPCS). Identifiers: Orphanet 157798, MedGen C4310714, MONDO:0014919, OMIM 617108.

Allele frequency attached by ClinVar (database versions not stated): ExAC 0.00001; gnomAD exomes 0.00001.
gnomAD v4.1: 13 of 1,614,212 alleles (0.00081%); highest among the groups gnomAD compares: Admixed American, 0.0017%; no homozygotes.

Submissions (4):

Ambry Genetics
Classification: Uncertain significance. Last evaluated: 2025-04-07. Review status: criteria provided, single submitter. Criteria: Ambry Variant Classification Scheme 2023. Collection method: clinical testing. Allele origin: germline.
Comment: The p.C762R variant (also known as c.2284T>C), located in coding exon 8 of the RNF43 gene, results from a T to C substitution at nucleotide position 2284. The cysteine at codon 762 is replaced by arginine, an amino acid with highly dissimilar properties. This amino acid position is conserved. In addition, the in silico prediction for this alteration is inconclusive. Based on the available evidence, the clinical significance of this variant remains unclear.

GeneDx
Classification: Uncertain significance. Last evaluated: 2025-03-25. Review status: criteria provided, single submitter. Criteria: GeneDx Variant Classification Process June 2021. Collection method: clinical testing. Allele origin: germline. Affected: yes.
Comment: Not observed at significant frequency in large population cohorts (gnomAD); In silico analysis indicates that this missense variant does not alter protein structure/function; Has not been previously published as pathogenic or benign to our knowledge

Labcorp Genetics (formerly Invitae), Labcorp
Classification: Uncertain significance. Last evaluated: 2024-08-01. Review status: criteria provided, single submitter. Criteria: Invitae Variant Classification Sherloc (09022015). Collection method: clinical testing. Allele origin: germline.
Comment: This sequence change replaces cysteine, which is neutral and slightly polar, with arginine, which is basic and polar, at codon 762 of the RNF43 protein (p.Cys762Arg). This variant is present in population databases (rs759480914, gnomAD 0.002%). This variant has not been reported in the literature in individuals affected with RNF43-related conditions. ClinVar contains an entry for this variant (Variation ID: 2190193). An algorithm developed to predict the effect of missense changes on protein structure and function (PolyPhen-2) suggests that this variant is likely to be disruptive. In summary, the available evidence is currently insufficient to determine the role of this variant in disease. Therefore, it has been classified as a Variant of Uncertain Significance.

Baylor Genetics
Classification: Uncertain significance for Sessile serrated polyposis cancer syndrome. Last evaluated: 2023-09-21. Review status: criteria provided, single submitter. Criteria: ACMG Guidelines, 2015. Collection method: clinical testing. Allele origin: unknown.